The following is an entry in ClinVar:

NM_005633.4(SOS1):c.3472C>T (p.Arg1158Ter)

Gene: SOS1 (SOS Ras/Rac guanine nucleotide exchange factor 1; minus strand). Cytogenetic location: 2p22.1.
Variant type: single nucleotide variant.
Coding change: c.3472C>T on transcript NM_005633.4 (MANE Select); coding-DNA position 3472, C replaced by T.
Protein change: p.Arg1158Ter; replaces arginine 1158 with a stop codon.
Molecular consequence: nonsense.
Genome position (GRCh38, 1-based): chr2:38,987,511, G>A on the plus strand (C>T on the coding strand, the complement: SOS1 is on the minus strand). VCF-style: chr2-38987511-G-A. GRCh37 (hg19) VCF-style: chr2-39214652-G-A.
Other names: c.3451C>T, p.Arg1151Ter (NM_001382394.1); c.3427C>T, p.Arg1143Ter (NM_001382395.1); short protein forms R1158*, R1151*, R1143*.
Identifiers: ClinVar variation 1731751 (VCV001731751.7), dbSNP rs1396062382, ClinGen allele CA346359534.

ClinVar aggregate classification (germline): Uncertain significance. Review status: criteria provided, multiple submitters, no conflicts (2 of 4 stars). 3 submissions from 3 submitters: Uncertain significance (3). Last evaluated 2024-12-26.

Conditions:
RASopathy. Also called: Noonan spectrum disorder; rasopathies. Identifiers: Orphanet 536391, MedGen C5555857, MONDO:0021060.
Cardiovascular phenotype. Identifiers: MedGen CN230736.

Allele frequency attached by ClinVar (database versions not stated): gnomAD exomes below 0.00001.
gnomAD v4.1: 1 of 1,601,606 alleles (0.000062%); highest among the groups gnomAD compares: Non-Finnish European, 0.000085%; no homozygotes.

Submissions (3):

GeneDx
Classification: Uncertain significance. Last evaluated: 2024-12-26. Review status: criteria provided, single submitter. Criteria: GeneDx Variant Classification Process June 2021. Collection method: clinical testing. Allele origin: germline. Affected: yes.
Comment: Not observed at significant frequency in large population cohorts (gnomAD); Nonsense variant predicted to result in protein truncation as the last 176 amino acids are lost, although loss-of-function variants have not been reported downstream of this position in the protein; Has not been previously published as pathogenic or benign to our knowledge; This variant is associated with the following publications: (PMID: 29493581)

Labcorp Genetics (formerly Invitae), Labcorp
Classification: Uncertain significance for RASopathy. Last evaluated: 2023-08-16. Review status: criteria provided, single submitter. Criteria: Invitae Variant Classification Sherloc (09022015). Collection method: clinical testing. Allele origin: germline.
Comment: In summary, the available evidence is currently insufficient to determine the role of this variant in disease. Therefore, it has been classified as a Variant of Uncertain Significance. Experimental studies and prediction algorithms are not available or were not evaluated, and the functional significance of this variant is currently unknown. ClinVar contains an entry for this variant (Variation ID: 1731751). This variant has not been reported in the literature in individuals affected with SOS1-related conditions. This variant is not present in population databases (gnomAD no frequency). This sequence change creates a premature translational stop signal (p.Arg1158*) in the SOS1 gene. While this is not anticipated to result in nonsense mediated decay, it is expected to disrupt the last 176 amino acid(s) of the SOS1 protein.

Ambry Genetics
Classification: Uncertain significance for Cardiovascular phenotype. Last evaluated: 2021-12-14. Review status: criteria provided, single submitter. Criteria: Ambry Variant Classification Scheme 2023. Collection method: clinical testing. Allele origin: germline.
Comment: The p.R1158* variant (also known as c.3472C>T), located in coding exon 22 of the SOS1 gene, results from a C to T substitution at nucleotide position 3472. This changes the amino acid from an arginine to a stop codon within coding exon 22. This alteration occurs at the 3' terminus of theSOS1 gene, is not expected to trigger nonsense-mediated mRNAdecay, and impacts the last 176 amino acids of the protein. The exact functional effect of this alteration is unknown. Additionally, loss of function of SOS1 has not been clearly established as a mechanism of disease. Since supporting evidence is limited at this time, the clinical significance of this alteration remains unclear.